The following is an entry in ClinVar:

NM_006735.4(HOXA2):c.334GCC[2] (p.Ala114_Ala117del)

Gene: HOXA2 (homeobox A2; minus strand). Cytogenetic location: 7p15.2.
Variant type: Microsatellite.
Coding change: c.334GCC[2] on transcript NM_006735.4 (MANE Select); two copies in a row of the 3-base unit GCC starting at c.334; the reference has six copies in a row; four copies, 12 bases deleted.
Protein change: p.Ala114_Ala117del.
Genome position (GRCh38, 1-based): chr7:27,102,150-27,102,161, GGCGGCGGCGGC deleted on the plus strand (GCCGCCGCCGCC on the coding strand, the reverse complement: HOXA2 is on the minus strand); deleting any 12 consecutive bases within chr7:27,102,150-27,102,167 gives the same sequence; the position shown is the placement nearest the transcript's 3' end. VCF-style (leftmost placement, unchanged base first): chr7-27102149-TGGCGGCGGCGGC-T. GRCh37 (hg19) VCF-style: chr7-27141768-TGGCGGCGGCGGC-T.
Other names: p.Ala114_Ala117del.
Identifiers: ClinVar variation 2682966 (VCV002682966.1), dbSNP rs748552806, ClinGen allele CA4196268.
Genomic context (GRCh38, chr7:27,102,149, plus strand): 5'-GGGCCAAGTCTTTGGACTGACCTTTGTGGCTGAGGCAAGCAGGGCCGGTGGCTGCGGCGG[TGGCGGCGGCGGC>T]GGCGGCCGGCAGAAGTGCGGTTTTCTTGGCCGCCTTCTTCTCCTTCATCCAGGGGTACTC-3'

ClinVar aggregate classification (germline): Uncertain significance (1 of 4 stars; one submission).

Submission:

Mayo Clinic Laboratories, Mayo Clinic
Classification: Uncertain significance. Last evaluated: 2022-09-27. Review status: criteria provided, single submitter. Criteria: ACMG Guidelines, 2015. Collection method: clinical testing. Allele origin: germline. Observed: 1 variant allele.
Comment: BP3, PM2_supporting